The following is an entry in ClinVar:

NC_012920.1(MT-ATP6):m.8854G>A

Gene: MT-ATP6 (mitochondrially encoded ATP synthase 6; plus strand).
Variant type: single nucleotide variant.
Genome position: chrM-8854-G-A.
Identifiers: ClinVar variation 693002 (VCV000693002.1), dbSNP rs386829055, ClinGen allele CA414798511.

ClinVar aggregate classification (germline): Benign (1 of 4 stars; one submission).

Conditions:
Leigh syndrome (NULS). Also called: Leigh's necrotizing encephalopathy; Leigh's disease; Leigh Syndrome (mtDNA deletion); Leigh Disease; Subacute necrotizing encephalopathy; Necrotizing encephalopathy infantile subacute of Leigh. Identifiers: Orphanet 506, MedGen C2931891, MONDO:0009723, OMIM 256000.

Submission:

Wong Mito Lab, Molecular and Human Genetics, Baylor College of Medicine
Classification: Benign for Leigh syndrome. Last evaluated: 2019-10-17. Review status: criteria provided, single submitter. Criteria: Modified ACMG Guidelines (Unpublished). Collection method: clinical testing. Allele origin: germline.
Comment: The NC_012920.1:m.8854G>A (YP_003024031.1:p.Ala110Thr) variant in MTATP6 gene is interpretated to be a Benign variant based on the modified ACMG guidelines (unpublished). This variant meets the following evidence codes: BS1, BS2